The following is an entry in ClinVar:

NC_000001.11:g.(?_172658358)_(172909884_?)dup

Gene: FASLG (Fas ligand; plus strand). Cytogenetic location: 1q24.3.
Variant type: Duplication.
Identifiers: ClinVar variation 831762 (VCV000831762.1).

ClinVar aggregate classification (germline): Uncertain significance (1 of 4 stars; one submission).

Conditions:
Autoimmune lymphoproliferative syndrome type 1. Also called: AUTOIMMUNE LYMPHOPROLIFERATIVE SYNDROME, TYPE I, AUTOSOMAL DOMINANT. Identifiers: Orphanet 3261, MedGen C2717884, MONDO:0011158, OMIM 601859.

Submission:

Labcorp Genetics (formerly Invitae), Labcorp
Classification: Uncertain significance for Autoimmune lymphoproliferative syndrome. Last evaluated: 2019-10-19. Review status: criteria provided, single submitter. Criteria: Invitae Variant Classification Sherloc (09022015). Collection method: clinical testing. Allele origin: germline.
Comment: This variant results in a copy number gain of the genomic region encompassing the full coding sequence of the FASLG gene. The boundaries of this event are unknown as they extend beyond the assayed region for this gene and therefore may encompass additional genes. As the precise location of this event is unknown, it may be in tandem or it may be located elsewhere in the genome. This variant has not been reported in the literature in individuals with FASLG-related conditions. In summary, the available evidence is currently insufficient to determine the role of this variant in disease. Therefore, it has been classified as a Variant of Uncertain Significance.